The following is an entry in ClinVar:

NM_017763.6(RNF43):c.466G>A (p.Gly156Arg)

Gene: RNF43 (ring finger protein 43; minus strand). Cytogenetic location: 17q22.
Variant type: single nucleotide variant.
Coding change: c.466G>A on transcript NM_017763.6 (MANE Select); coding-DNA position 466, G replaced by A.
Protein change: p.Gly156Arg; replaces glycine 156 with arginine.
Molecular consequence: missense variant.
Genome position (GRCh38, 1-based): chr17:58,363,391, C>T on the plus strand (G>A on the coding strand, the complement: RNF43 is on the minus strand). VCF-style: chr17-58363391-C-T. GRCh37 (hg19) VCF-style: chr17-56440752-C-T.
Other names: c.466G>A, p.Gly156Arg (NM_001305544.3); c.85G>A, p.Gly29Arg (NM_001305545.2); c.466G>A (NM_017763.4); short protein forms G156R, G29R.
Identifiers: ClinVar variation 2423847 (VCV002423847.8), dbSNP rs1972882355, ClinGen allele CA400338679.
Genomic context (GRCh38, chr17:58,363,391, plus strand): 5'-CAAACTCCATCAGCTTCTCAGCGTCATTACCCCAGATCAACACCACTGGCCAGGTCAGCC[C>T]CAGCGGCTGCTGCAGCTACAGGGGGAAAGTGCCCACAGGGCTGCTGTGACTTCTCCCTGC-3'
Protein context (NP_060233.3, residues 146-166): AAAEQLQQPL[Gly156Arg]LTWPVVLIWG

ClinVar aggregate classification (germline): Uncertain significance. Review status: criteria provided, multiple submitters, no conflicts (2 of 4 stars). 3 submissions from 3 submitters: Uncertain significance (3). Last evaluated 2025-08-25.

Conditions:
Sessile serrated polyposis cancer syndrome (SSPCS). Identifiers: Orphanet 157798, MedGen C4310714, MONDO:0014919, OMIM 617108.

Allele frequency attached by ClinVar (database versions not stated): gnomAD exomes 0.00001; TOPMed 0.00001.

Submissions (3):

Ambry Genetics
Classification: Uncertain significance. Last evaluated: 2025-08-25. Review status: criteria provided, single submitter. Criteria: Ambry Variant Classification Scheme 2023. Collection method: clinical testing. Allele origin: germline.
Comment: The p.G156R variant (also known as c.466G>A), located in coding exon 4 of the RNF43 gene, results from a G to A substitution at nucleotide position 466. The glycine at codon 156 is replaced by arginine, an amino acid with dissimilar properties. This amino acid position is conserved. In addition, the in silico prediction for this alteration is inconclusive. Based on the available evidence, the clinical significance of this variant remains unclear.

Labcorp Genetics (formerly Invitae), Labcorp
Classification: Uncertain significance. Last evaluated: 2023-12-09. Review status: criteria provided, single submitter. Criteria: Invitae Variant Classification Sherloc (09022015). Collection method: clinical testing. Allele origin: germline.
Comment: This sequence change replaces glycine, which is neutral and non-polar, with arginine, which is basic and polar, at codon 156 of the RNF43 protein (p.Gly156Arg). This variant is not present in population databases (gnomAD no frequency). This variant has not been reported in the literature in individuals affected with RNF43-related conditions. ClinVar contains an entry for this variant (Variation ID: 2423847). An algorithm developed to predict the effect of missense changes on protein structure and function (PolyPhen-2) suggests that this variant is likely to be disruptive. In summary, the available evidence is currently insufficient to determine the role of this variant in disease. Therefore, it has been classified as a Variant of Uncertain Significance.

Baylor Genetics
Classification: Uncertain significance for Sessile serrated polyposis cancer syndrome. Last evaluated: 2023-05-11. Review status: criteria provided, single submitter. Criteria: ACMG Guidelines, 2015. Collection method: clinical testing. Allele origin: unknown.